The following is an entry in ClinVar:

ClinVar aggregate classification (germline): Uncertain significance. Review status: criteria provided, multiple submitters, no conflicts (2 of 4 stars). 2 submissions from 2 submitters: Uncertain significance (2). Last evaluated 2025-05-14.

Conditions:
Inborn genetic diseases. Identifiers: MedGen C0950123, MeSH D030342.

gnomAD v4.1: 2 of 1,614,088 alleles (0.00012%); highest among the groups gnomAD compares: Admixed American, 0.0017%; no homozygotes.

Submissions (2):

Ambry Genetics
Classification: Uncertain significance for Inborn genetic diseases. Last evaluated: 2025-05-14. Review status: criteria provided, single submitter. Criteria: Ambry Variant Classification Scheme 2023. Collection method: clinical testing. Allele origin: germline.

Dasa
Classification: Uncertain significance. Last evaluated: 2025-04-13. Review status: criteria provided, single submitter. Criteria: DASA Assertion Criteria. Collection method: clinical testing. Allele origin: germline.
Comment: NM_001042424.3(NSD2):c.3451C>T (p.Leu1151Phe) is a missense variant that results in the substitution of leucine with phenylalanine. This variant is rare in population databases. The currently available literature and clinical evidence are not sufficient to establish a definitive association between this variant and the reported condition. Therefore, this variant is classified as a variant of uncertain significance.

NM_001042424.3(NSD2):c.3451C>T (p.Leu1151Phe)

Gene: NSD2 (nuclear receptor binding SET domain protein 2; plus strand). Cytogenetic location: 4p16.3.
Variant type: single nucleotide variant.
Coding change: c.3451C>T on transcript NM_001042424.3 (MANE Select); coding-DNA position 3451, C replaced by T.
Protein change: p.Leu1151Phe; replaces leucine 1151 with phenylalanine.
Molecular consequence: missense variant.
Genome position (GRCh38, 1-based): chr4:1,974,941, C>T. VCF-style: chr4-1974941-C-T. GRCh37 (hg19) VCF-style: chr4-1976668-C-T.
Other names: c.3451C>T, p.Leu1151Phe (NM_133330.3, NM_133331.3, NM_133335.4); short protein forms L1151F.
Identifiers: ClinVar variation 3922024 (VCV003922024.3).